The following is an entry in ClinVar:

ClinVar aggregate classification (germline): Uncertain significance. Review status: criteria provided, multiple submitters, no conflicts (2 of 4 stars). 3 submissions from 3 submitters: Uncertain significance (3). Last evaluated 2025-01-08.

Conditions:
Neurodevelopmental disorder and structural brain anomalies with or without seizures and spasticity. Identifiers: MedGen C5394423, MONDO:0030046, OMIM 618890.
Inborn genetic diseases. Identifiers: MedGen C0950123, MeSH D030342.

Allele frequency attached by ClinVar (database versions not stated): gnomAD exomes 0.00001 and 0.00002; ExAC 0.00003; 1000 Genomes Project 30x 0.00016; 1000 Genomes Project 0.00020.
gnomAD v4.1: 12 of 1,613,640 alleles (0.00074%); highest among the groups gnomAD compares: South Asian, 0.0044%; no homozygotes.

Submissions (3):

Ambry Genetics
Classification: Uncertain significance for Inborn genetic diseases. Last evaluated: 2025-01-08. Review status: criteria provided, single submitter. Criteria: Ambry Variant Classification Scheme 2023. Collection method: clinical testing. Allele origin: germline.

Neuberg Centre For Genomic Medicine, NCGM
Classification: Uncertain significance for Neurodevelopmental disorder and structural brain anomalies with or without seizures and spasticity. Last evaluated: 2023-05-20. Review status: criteria provided, single submitter. Criteria: ACMG Guidelines, 2015. Collection method: clinical testing. Allele origin: germline. Inheritance: Autosomal recessive inheritance. Affected: yes.
Comment: The observed missense c.4375C>T(p.Arg1459Cys) variant in PTPN23 gene has not been reported previously as a pathogenic variant nor a benign variant, to our knowledge. The p.Arg1459Cys variant has been reported with allele frequency of 0.002% in gnomAD Exomes. This variant has been reported to the ClinVar database as Uncertain Significance. Multiple lines of computational evidences (Polyphen - Probably damaging, SIFT - Damaging and MutationTaster - Disease causing) predict a damaging effect on protein structure and function for this variant. The reference amino acid is predicted as conserved by GERP++ and PhyloP across 100 vertebrates. The amino acid Arg at position 1459 is changed to a Cys changing protein sequence and it might alter its composition and physico-chemical properties. For these reasons, this variant has been classified as a Variant of Uncertain Significance (VUS). In absence of another reportable variant in PTPN23 gene, the moelcular diagnosis is not confirmed.

Labcorp Genetics (formerly Invitae), Labcorp
Classification: Uncertain significance. Last evaluated: 2021-04-08. Review status: criteria provided, single submitter. Criteria: Invitae Variant Classification Sherloc (09022015). Collection method: clinical testing. Allele origin: germline.
Comment: In summary, the available evidence is currently insufficient to determine the role of this variant in disease. Therefore, it has been classified as a Variant of Uncertain Significance. Algorithms developed to predict the effect of missense changes on protein structure and function are either unavailable or do not agree on the potential impact of this missense change (SIFT: "Deleterious"; PolyPhen-2: "Probably Damaging"; Align-GVGD: "Class C0"). This variant has not been reported in the literature in individuals with PTPN23-related conditions. This variant is present in population databases (rs542774621, ExAC 0.02%). This sequence change replaces arginine with cysteine at codon 1459 of the PTPN23 protein (p.Arg1459Cys). The arginine residue is weakly conserved and there is a large physicochemical difference between arginine and cysteine.

NM_015466.4(PTPN23):c.4375C>T (p.Arg1459Cys)

Gene: PTPN23 (protein tyrosine phosphatase non-receptor type 23; plus strand). Cytogenetic location: 3p21.31.
Variant type: single nucleotide variant.
Coding change: c.4375C>T on transcript NM_015466.4 (MANE Select); coding-DNA position 4375, C replaced by T.
Protein change: p.Arg1459Cys; replaces arginine 1459 with cysteine.
Molecular consequence: missense variant.
Genome position (GRCh38, 1-based): chr3:47,412,571, C>T. VCF-style: chr3-47412571-C-T. GRCh37 (hg19) VCF-style: chr3-47454061-C-T.
Other names: c.3997C>T, p.Arg1333Cys (NM_001304482.2); c.4375C>T (NM_015466.2); short protein forms R1333C, R1459C.
Identifiers: ClinVar variation 1524290 (VCV001524290.8), dbSNP rs542774621, ClinGen allele CA2366580.